The following is an entry in ClinVar:

ClinVar aggregate classification (germline): Likely benign (0 of 4 stars; one submission).

Conditions:
ALPK1-related disorder. Also called: ALPK1-related condition.

Submission:

PreventionGenetics, part of Exact Sciences
Classification: Likely benign for ALPK1-related condition. Last evaluated: 2021-10-22. Review status: no assertion criteria provided. Collection method: clinical testing. Allele origin: germline.
Comment: This variant is classified as likely benign based on ACMG/AMP sequence variant interpretation guidelines (Richards et al. 2015 PMID: 25741868, with internal and published modifications).

NM_025144.4(ALPK1):c.623-5_623-4dup

Gene: ALPK1 (alpha kinase 1; plus strand). Cytogenetic location: 4q25.
Variant type: Duplication.
Coding change: c.623-5_623-4dup on transcript NM_025144.4 (MANE Select); 5 bases into the intron before coding-DNA position 623 through 4 bases into the intron before coding-DNA position 623, 2 bases duplicated (TT; older notation c.623-5_623-4dupTT).
Molecular consequence: intron variant.
Genome position (GRCh38, 1-based): chr4:112,426,462-112,426,463, TT duplicated; duplicating any 2 consecutive bases within chr4:112,426,454-112,426,463 gives the same sequence; the c. name uses the placement nearest the transcript's 3' end. VCF-style (leftmost placement, unchanged base first): chr4-112426453-C-CTT. GRCh37 (hg19) VCF-style: chr4-113347609-C-CTT.
Other names: c.623-5_623-4dup (NM_001102406.2); c.389-5_389-4dup (NM_001253884.2).
Identifiers: ClinVar variation 3038268 (VCV003038268.2), dbSNP rs35182774, ClinGen allele CA3046498.